The following is an entry in ClinVar:

NM_001099439.2(EPHA10):c.1870C>T (p.Gln624Ter)

Gene: EPHA10 (EPH receptor A10; minus strand). Cytogenetic location: 1p34.3.
Variant type: single nucleotide variant.
Coding change: c.1870C>T on transcript NM_001099439.2 (MANE Select); coding-DNA position 1870, C replaced by T.
Protein change: p.Gln624Ter; replaces glutamine 624 with a stop codon.
Molecular consequence: nonsense.
Genome position (GRCh38, 1-based): chr1:37,723,131, G>A on the plus strand (C>T on the coding strand, the complement: EPHA10 is on the minus strand). VCF-style: chr1-37723131-G-A. GRCh37 (hg19) VCF-style: chr1-38188803-G-A.
Other names: short protein forms Q624*.
Identifiers: ClinVar variation 3026426 (VCV003026426.22), dbSNP rs1645828150, ClinGen allele CA339455147.

ClinVar aggregate classification (germline): Uncertain significance (1 of 4 stars; one submission).

Allele frequency attached by ClinVar (database versions not stated): TOPMed below 0.00001; gnomAD 0.00001; gnomAD exomes 0.00001.
gnomAD v4.1: 25 of 1,614,044 alleles (0.0015%); highest among the groups gnomAD compares: Non-Finnish European, 0.0018%; no homozygotes.

Submission:

CeGaT Center for Human Genetics Tuebingen
Classification: Uncertain significance. Last evaluated: 2024-03-01. Review status: criteria provided, single submitter. Criteria: CeGaT Center For Human Genetics Tuebingen Variant Classification Criteria Version 2. Collection method: clinical testing. Allele origin: germline. Affected: yes. Observed: 1 variant allele.
Comment: EPHA10: PM2